The following is an entry in ClinVar:

ClinVar aggregate classification (germline): Uncertain significance (1 of 4 stars; one submission).

gnomAD v4.1: 15 of 1,613,930 alleles (0.00093%); highest among the groups gnomAD compares: Non-Finnish European, 0.0013%; no homozygotes.

Submission:

GeneDx
Classification: Uncertain significance. Last evaluated: 2022-12-08. Review status: criteria provided, single submitter. Criteria: GeneDx Variant Classification Process June 2021. Collection method: clinical testing. Allele origin: germline.
Comment: Not observed at significant frequency in large population cohorts (gnomAD); In silico analysis supports that this missense variant does not alter protein structure/function; Has not been previously published as pathogenic or benign to our knowledge; Variants in candidate genes are classified as variants of uncertain significance in accordance with ACMG guidelines (Richards et al., 2015)

NM_014709.4(USP34):c.3961G>A (p.Gly1321Arg)

Gene: USP34 (ubiquitin specific peptidase 34; minus strand). Cytogenetic location: 2p15.
Variant type: single nucleotide variant.
Coding change: c.3961G>A on transcript NM_014709.4 (MANE Select); coding-DNA position 3961, G replaced by A.
Protein change: p.Gly1321Arg; replaces glycine 1321 with arginine.
Molecular consequence: missense variant.
Genome position (GRCh38, 1-based): chr2:61,301,118, C>T on the plus strand (G>A on the coding strand, the complement: USP34 is on the minus strand). VCF-style: chr2-61301118-C-T. GRCh37 (hg19) VCF-style: chr2-61528253-C-T.
Other names: short protein forms G1321R.
Identifiers: ClinVar variation 4891318 (VCV004891318.1).